The following is an entry in ClinVar:

NM_001105206.3(LAMA4):c.5113-239C>A

Gene: LAMA4 (laminin subunit alpha 4; minus strand). Cytogenetic location: 6q21.
Variant type: single nucleotide variant.
Coding change: c.5113-239C>A on transcript NM_001105206.3 (MANE Select); 239 bases into the intron before coding-DNA position 5113, C replaced by A.
Molecular consequence: intron variant.
Genome position (GRCh38, 1-based): chr6:112,114,995, G>T on the plus strand (C>A on the coding strand, the complement: LAMA4 is on the minus strand). VCF-style: chr6-112114995-G-T. GRCh37 (hg19) VCF-style: chr6-112436198-G-T.
Other names: c.5092-239C>A (NM_002290.5, NM_001105207.3).
Identifiers: ClinVar variation 678524 (VCV000678524.1), dbSNP rs4947169, ClinGen allele CA12277406.

ClinVar aggregate classification (germline): Benign (1 of 4 stars; one submission).

Allele frequency attached by ClinVar (database versions not stated): TOPMed 0.42770; gnomAD 0.42898 and 0.43724; 1000 Genomes Project 30x 0.48438; 1000 Genomes Project 0.49141.
gnomAD v4.1: 66,412 of 151,854 alleles (44%); highest among the groups gnomAD compares: South Asian, 67%; 14,909 homozygotes.

Submission:

GeneDx
Classification: Benign. Last evaluated: 2018-06-14. Review status: criteria provided, single submitter. Criteria: GeneDx Variant Classification (06012015). Collection method: clinical testing. Allele origin: germline. Affected: yes.
Comment: This variant is considered likely benign or benign based on one or more of the following criteria: it is a conservative change, it occurs at a poorly conserved position in the protein, it is predicted to be benign by multiple in silico algorithms, and/or has population frequency not consistent with disease.